The following is an entry in ClinVar:

ClinVar aggregate classification (germline): Benign. Review status: criteria provided, multiple submitters, no conflicts (2 of 4 stars). 5 submissions from 5 submitters: Benign (3). 2 of the submissions do not count toward it. Last evaluated 2018-06-19.

Conditions:
Pseudohypoaldosteronism type 2C (PHA2C). Also called: Pseudohypoaldosteronism Type IIC. Identifiers: Orphanet 757, Orphanet 88940, MedGen C1840391, MONDO:0013778, OMIM 614492.

Allele frequency attached by ClinVar (database versions not stated): 1000 Genomes Project 0.33986; 1000 Genomes Project 30x 0.34197; TOPMed 0.39721; gnomAD 0.42310; gnomAD exomes 0.44899.
gnomAD v4.1: 693,940 of 1,561,778 alleles (44%); highest among the groups gnomAD compares: Admixed American, 47%; 157,617 homozygotes.

Submissions (5):

GeneDx
Classification: Benign. Last evaluated: 2018-06-19. Review status: criteria provided, single submitter. Criteria: GeneDx Variant Classification (06012015). Collection method: clinical testing. Allele origin: germline. Affected: yes.
Comment: This variant is considered likely benign or benign based on one or more of the following criteria: it is a conservative change, it occurs at a poorly conserved position in the protein, it is predicted to be benign by multiple in silico algorithms, and/or has population frequency not consistent with disease.

Illumina Laboratory Services, Illumina
Classification: Benign for Pseudohypoaldosteronism type 2C. Last evaluated: 2018-01-12. Review status: criteria provided, single submitter. Criteria: ICSL Variant Classification Criteria 13 December 2019. Collection method: clinical testing. Allele origin: germline.
Comment: This variant was observed in the ICSL laboratory as part of a predisposition screen in an ostensibly healthy population. It had not been previously curated by ICSL or reported in the Human Gene Mutation Database (HGMD: prior to June 1st, 2018), and was therefore a candidate for classification through an automated scoring system. Utilizing variant allele frequency, disease prevalence and penetrance estimates, and inheritance mode, an automated score was calculated to assess if this variant is too frequent to cause the disease. Based on the score and internal cut-off values, a variant classified as benign is not then subjected to further curation. The score for this variant resulted in a classification of benign for this disease.

Breakthrough Genomics
Classification: Benign. Review status: criteria provided, single submitter. Criteria: ACMG Guidelines, 2015. Collection method: not provided. Allele origin: germline. Inheritance: Autosomal recessive inheritance. Affected: yes.

Clinical Genetics, Academic Medical Center
Classification: Benign. Review status: no assertion criteria provided. Collection method: clinical testing. Allele origin: germline. Affected: yes. Study: VKGL Data-share Consensus. Not counted in ClinVar's aggregate classification.

Joint Genome Diagnostic Labs from Nijmegen and Maastricht, Radboudumc and MUMC+
Classification: Benign. Review status: no assertion criteria provided. Collection method: clinical testing. Allele origin: germline. Affected: yes. Study: VKGL Data-share Consensus. Not counted in ClinVar's aggregate classification.

NM_018979.4(WNK1):c.-91T>G

Gene: WNK1 (WNK lysine deficient protein kinase 1; plus strand). Cytogenetic location: 12p13.33.
Variant type: single nucleotide variant.
Coding change: c.-91T>G on transcript NM_018979.4 (MANE Select); 91 bases upstream of the start codon, T replaced by G.
Molecular consequence: 5 prime UTR variant.
Genome position (GRCh38, 1-based): chr12:753,475, T>G. VCF-style: chr12-753475-T-G. GRCh37 (hg19) VCF-style: chr12-862641-T-G.
Other names: c.-91T>G (NM_001184985.2, NM_014823.3, NM_213655.5).
Identifiers: ClinVar variation 310533 (VCV000310533.11), dbSNP rs3088353, ClinGen allele CA10633576.